The following is an entry in ClinVar:

NM_198252.3(GSN):c.1697G>A (p.Gly566Glu)

Gene: GSN (gelsolin; plus strand). Cytogenetic location: 9q33.2.
Variant type: single nucleotide variant.
Coding change: c.1697G>A on transcript NM_198252.3 (MANE Select); coding-DNA position 1697, G replaced by A.
Protein change: p.Gly566Glu; replaces glycine 566 with glutamic acid.
Molecular consequence: missense variant.
Genome position (GRCh38, 1-based): chr9:121,327,417, G>A. VCF-style: chr9-121327417-G-A. GRCh37 (hg19) VCF-style: chr9-124089695-G-A.
Other names: c.1850G>A, p.Gly617Glu (NM_000177.5); c.1697G>A, p.Gly566Glu (NM_001127662.2, NM_001127664.2, NM_001127665.2 and 10 more transcripts); c.1805G>A, p.Gly602Glu (NM_001127663.2); c.1730G>A, p.Gly577Glu (NM_001127666.2, NM_001127667.2, NM_001353063.2 and 13 more transcripts); c.1748G>A, p.Gly583Glu (NM_001258029.2); c.1721G>A, p.Gly574Glu (NM_001258030.2); c.1769G>A, p.Gly590Glu (NM_001353076.2); c.1043G>A, p.Gly348Glu (NM_001353078.2); short protein forms G577E, G583E, G590E, G602E, G617E, G348E, G574E, G566E.
Identifiers: ClinVar variation 1467230 (VCV001467230.8), dbSNP rs2133897951, ClinGen allele CA374755985.

ClinVar aggregate classification (germline): Uncertain significance (1 of 4 stars; one submission).

Submission:

Labcorp Genetics (formerly Invitae), Labcorp
Classification: Uncertain significance. Last evaluated: 2023-05-08. Review status: criteria provided, single submitter. Criteria: Invitae Variant Classification Sherloc (09022015). Collection method: clinical testing. Allele origin: germline.
Comment: This sequence change replaces glycine, which is neutral and non-polar, with glutamic acid, which is acidic and polar, at codon 617 of the GSN protein (p.Gly617Glu). This variant is not present in population databases (gnomAD no frequency). This variant has not been reported in the literature in individuals affected with GSN-related conditions. ClinVar contains an entry for this variant (Variation ID: 1467230). Advanced modeling of protein sequence and biophysical properties (such as structural, functional, and spatial information, amino acid conservation, physicochemical variation, residue mobility, and thermodynamic stability) has been performed at Invitae for this missense variant, however the output from this modeling did not meet the statistical confidence thresholds required to predict the impact of this variant on GSN protein function. In summary, the available evidence is currently insufficient to determine the role of this variant in disease. Therefore, it has been classified as a Variant of Uncertain Significance.